The following is an entry in ClinVar:

ClinVar aggregate classification (germline): Uncertain significance. Review status: criteria provided, multiple submitters, no conflicts (2 of 4 stars). 3 submissions from 3 submitters: Uncertain significance (3). Last evaluated 2025-08-31.

Conditions:
Inborn genetic diseases. Identifiers: MedGen C0950123, MeSH D030342.

Allele frequency attached by ClinVar (database versions not stated): TOPMed below 0.00001; gnomAD 0.00001; ExAC 0.00002.
gnomAD v4.1: 33 of 1,613,934 alleles (0.002%); highest among the groups gnomAD compares: Non-Finnish European, 0.0027%; no homozygotes.

Submissions (3):

Ambry Genetics
Classification: Uncertain significance for Inborn genetic diseases. Last evaluated: 2025-08-31. Review status: criteria provided, single submitter. Criteria: Ambry Variant Classification Scheme 2023. Collection method: clinical testing. Allele origin: germline.

Blueprint Genetics
Classification: Uncertain significance. Last evaluated: 2024-10-01. Review status: criteria provided, single submitter. Criteria: ACMG Guidelines, 2015. Collection method: clinical testing. Allele origin: germline.

Labcorp Genetics (formerly Invitae), Labcorp
Classification: Uncertain significance. Last evaluated: 2021-08-28. Review status: criteria provided, single submitter. Criteria: Invitae Variant Classification Sherloc (09022015). Collection method: clinical testing. Allele origin: germline.
Comment: This sequence change replaces glutamic acid with lysine at codon 432 of the GNPAT protein (p.Glu432Lys). The glutamic acid residue is moderately conserved and there is a small physicochemical difference between glutamic acid and lysine. This variant is present in population databases (rs762803958, ExAC 0.004%). This variant has not been reported in the literature in individuals affected with GNPAT-related conditions. Algorithms developed to predict the effect of missense changes on protein structure and function (SIFT, PolyPhen-2, Align-GVGD) all suggest that this variant is likely to be tolerated. In summary, the available evidence is currently insufficient to determine the role of this variant in disease. Therefore, it has been classified as a Variant of Uncertain Significance.

NM_014236.4(GNPAT):c.1294G>A (p.Glu432Lys)

Gene: GNPAT (glyceronephosphate O-acyltransferase; plus strand). Cytogenetic location: 1q42.2.
Variant type: single nucleotide variant.
Coding change: c.1294G>A on transcript NM_014236.4 (MANE Select); coding-DNA position 1294, G replaced by A.
Protein change: p.Glu432Lys; replaces glutamic acid 432 with lysine.
Molecular consequence: missense variant.
Genome position (GRCh38, 1-based): chr1:231,270,772, G>A. VCF-style: chr1-231270772-G-A. GRCh37 (hg19) VCF-style: chr1-231406518-G-A.
Other names: c.1111G>A, p.Glu371Lys (NM_001316350.2); c.1294G>A (NM_014236.3); short protein forms E432K, E371K.
Identifiers: ClinVar variation 1462388 (VCV001462388.8), dbSNP rs762803958, ClinGen allele CA1451998.